The following is an entry in ClinVar:

NM_001184.4(ATR):c.5386A>C (p.Lys1796Gln)

Gene: ATR (ATR checkpoint kinase; minus strand). Cytogenetic location: 3q23.
Variant type: single nucleotide variant.
Coding change: c.5386A>C on transcript NM_001184.4 (MANE Select); coding-DNA position 5386, A replaced by C.
Protein change: p.Lys1796Gln; replaces lysine 1796 with glutamine.
Molecular consequence: missense variant.
Genome position (GRCh38, 1-based): chr3:142,498,769, T>G on the plus strand (A>C on the coding strand, the complement: ATR is on the minus strand). VCF-style: chr3-142498769-T-G. GRCh37 (hg19) VCF-style: chr3-142217611-T-G.
Other names: c.5194A>C, p.Lys1732Gln (NM_001354579.2); short protein forms K1732Q, K1796Q.
Identifiers: ClinVar variation 1913098 (VCV001913098.5), dbSNP rs193124641, ClinGen allele CA2649616.

ClinVar aggregate classification (germline): Uncertain significance (1 of 4 stars; one submission).

Allele frequency attached by ClinVar (database versions not stated): gnomAD exomes 0.00001; TOPMed 0.00002; 1000 Genomes Project 30x 0.00031.
gnomAD v4.1: 12 of 1,614,060 alleles (0.00074%); highest among the groups gnomAD compares: East Asian, 0.027%; no homozygotes.

Submission:

Labcorp Genetics (formerly Invitae), Labcorp
Classification: Uncertain significance. Last evaluated: 2025-02-09. Review status: criteria provided, single submitter. Criteria: Invitae Variant Classification Sherloc (09022015). Collection method: clinical testing. Allele origin: germline.
Comment: This sequence change replaces lysine, which is basic and polar, with glutamine, which is neutral and polar, at codon 1796 of the ATR protein (p.Lys1796Gln). This variant is present in population databases (rs193124641, gnomAD 0.02%). This variant has not been reported in the literature in individuals affected with ATR-related conditions. ClinVar contains an entry for this variant (Variation ID: 1913098). An algorithm developed to predict the effect of missense changes on protein structure and function (PolyPhen-2) suggests that this variant is likely to be tolerated. In summary, the available evidence is currently insufficient to determine the role of this variant in disease. Therefore, it has been classified as a Variant of Uncertain Significance.